The following is an entry in ClinVar:

NM_005676.5(RBM10):c.2039G>A (p.Arg680Gln)

Gene: RBM10 (RNA binding motif protein 10; plus strand). Cytogenetic location: Xp11.3.
Variant type: single nucleotide variant.
Coding change: c.2039G>A on transcript NM_005676.5 (MANE Select); coding-DNA position 2039, G replaced by A.
Protein change: p.Arg680Gln; replaces arginine 680 with glutamine.
Molecular consequence: missense variant.
Genome position (GRCh38, 1-based): chrX:47,185,143, G>A. VCF-style: chrX-47185143-G-A. GRCh37 (hg19) VCF-style: chrX-47044542-G-A.
Other names: c.1808G>A, p.Arg603Gln (NM_001204466.2); c.2036G>A, p.Arg679Gln (NM_001204467.2); c.2234G>A, p.Arg745Gln (NM_001204468.2); c.1805G>A, p.Arg602Gln (NM_152856.3); short protein forms R679Q, R680Q, R602Q, R603Q, R745Q.
Identifiers: ClinVar variation 3697706 (VCV003697706.2).

ClinVar aggregate classification (germline): Uncertain significance (1 of 4 stars; one submission).

gnomAD v4.1: 1 of 1,212,133 alleles (0.000082%); highest among the groups gnomAD compares: Admixed American, 0.0022%; no homozygotes.

Submission:

Labcorp Genetics (formerly Invitae), Labcorp
Classification: Uncertain significance. Last evaluated: 2024-08-30. Review status: criteria provided, single submitter. Criteria: Invitae Variant Classification Sherloc (09022015). Collection method: clinical testing. Allele origin: germline.
Comment: This sequence change replaces arginine, which is basic and polar, with glutamine, which is neutral and polar, at codon 680 of the RBM10 protein (p.Arg680Gln). This variant is present in population databases (rs782739450, gnomAD 0.004%). This variant has not been reported in the literature in individuals affected with RBM10-related conditions. Invitae Evidence Modeling of protein sequence and biophysical properties (such as structural, functional, and spatial information, amino acid conservation, physicochemical variation, residue mobility, and thermodynamic stability) indicates that this missense variant is not expected to disrupt RBM10 protein function with a negative predictive value of 80%. In summary, the available evidence is currently insufficient to determine the role of this variant in disease. Therefore, it has been classified as a Variant of Uncertain Significance.